The following is an entry in ClinVar:

NM_018008.4(FEZF2):c.1090G>A (p.Glu364Lys)

Gene: FEZF2 (FEZ family zinc finger 2; minus strand). Cytogenetic location: 3p14.2.
Variant type: single nucleotide variant.
Coding change: c.1090G>A on transcript NM_018008.4 (MANE Select); coding-DNA position 1090, G replaced by A.
Protein change: p.Glu364Lys; replaces glutamic acid 364 with lysine.
Molecular consequence: missense variant.
Genome position (GRCh38, 1-based): chr3:62,371,247, C>T on the plus strand (G>A on the coding strand, the complement: FEZF2 is on the minus strand). VCF-style: chr3-62371247-C-T. GRCh37 (hg19) VCF-style: chr3-62356922-C-T.
Other names: short protein forms E364K.
Identifiers: ClinVar variation 3042169 (VCV003042169.2), dbSNP rs2529551720, ClinGen allele CA353008688.

ClinVar aggregate classification (germline): Uncertain significance (0 of 4 stars; one submission).

Conditions:
FEZF2-related disorder. Also called: FEZF2-related condition.

Submission:

PreventionGenetics, part of Exact Sciences
Classification: Uncertain significance for FEZF2-related condition. Last evaluated: 2023-12-01. Review status: no assertion criteria provided. Collection method: clinical testing. Allele origin: germline.
Comment: The FEZF2 c.1090G>A variant is predicted to result in the amino acid substitution p.Glu364Lys. To our knowledge, this variant has not been reported in the literature or in a large population database, indicating this variant is rare. At this time, the clinical significance of this variant is uncertain due to the absence of conclusive functional and genetic evidence.